The following is an entry in ClinVar:

ClinVar aggregate classification (germline): Pathogenic (1 of 4 stars; one submission).

Submission:

ISCA site 14
Classification: Pathogenic. Last evaluated: 2011-08-12. Review status: criteria provided, single submitter. Criteria: Kaminsky et al. (Genet Med. 2011). Collection method: clinical testing. Allele origin: unknown. Affected: yes. Observed: 1 variant allele.
Comment: Copy number variation identified through the course of routine clinical cytogenomic testing in postnatal populations. Clinical assertions have been curated as described in Kaminsky et al. 2011.

GRCh38/hg38 2q24.3-32.1(chr2:163965382-182195062)x1

Genes: ABCB11 (ATP binding cassette subfamily B member 11; minus strand), AGPS (alkylglycerone phosphate synthase; plus strand), AGPS-DT (AGPS divergent transcript; minus strand), ATF2 (activating transcription factor 2; minus strand), ATP5MC3 (ATP synthase membrane subunit c locus 3; minus strand) and 488 more. Cytogenetic location: 2q24.3-32.1.
Variant type: copy number loss.
Change: copy number 1 (one copy instead of two) of chr2:163,965,382-182,195,062 (18.23 Mb, GRCh38 coordinates, 1-based), cytogenetic band 2q24.3-32.1.
Identifiers: ClinVar variation 60248 (VCV000060248.1).